The following is an entry in ClinVar:

ClinVar aggregate classification (germline): Conflicting classifications of pathogenicity. Review status: criteria provided, conflicting classifications (1 of 4 stars). 5 submissions from 5 submitters: Uncertain significance (2); Likely benign (2). 1 of the submissions does not count toward it. Last evaluated 2026-01-08.

Conditions:
Leukodystrophy, hypomyelinating, 11. Identifiers: Orphanet 88637, MedGen C4225305, MONDO:0014666, OMIM 616494.
POLR1C-related disorder. Also called: POLR1C-related condition; POLR1C-related disorders. Identifiers: MedGen CN239394, MONDO:0700278.
Treacher Collins syndrome 3 (TCS3). Also called: POLR1C-Related Treacher Collins Syndrome. Identifiers: Orphanet 861, MedGen C1855433, MONDO:0009558, OMIM 248390.

Allele frequency attached by ClinVar (database versions not stated): gnomAD 0.00051 and 0.00054; ESP Exome Variant Server 0.00054; ExAC 0.00062; gnomAD exomes 0.00067; TOPMed 0.00077; 1000 Genomes Project 0.00140; 1000 Genomes Project 30x 0.00203.

Submissions (5):

Labcorp Genetics (formerly Invitae), Labcorp
Classification: Likely benign. Last evaluated: 2026-01-08. Review status: criteria provided, single submitter. Criteria: Invitae Variant Classification Sherloc (09022015). Collection method: clinical testing. Allele origin: germline.

Athena Diagnostics
Classification: Uncertain significance. Last evaluated: 2019-04-10. Review status: criteria provided, single submitter. Criteria: Athena Diagnostics Criteria. Collection method: clinical testing. Allele origin: germline.

Baylor Genetics
Classification: Uncertain significance for Leukodystrophy, hypomyelinating, 11. Last evaluated: 2018-06-11. Review status: criteria provided, single submitter. Criteria: ACMG Guidelines, 2015. Collection method: clinical testing. Allele origin: maternal. Affected: yes.
Comment: This variant was determined to be of uncertain significance according to ACMG Guidelines, 2015 [PMID:25741868].

Illumina Laboratory Services, Illumina
Classification: Likely benign for Treacher Collins syndrome 3. Last evaluated: 2017-04-27. Review status: criteria provided, single submitter. Criteria: ICSL Variant Classification Criteria 13 December 2019. Collection method: clinical testing. Allele origin: germline.
Comment: This variant was observed as part of a predisposition screen in an ostensibly healthy population. A literature search was performed for the gene, cDNA change, and amino acid change (where applicable). Publications were found based on this search. The evidence from the literature, in combination with allele frequency data from public databases where available, was sufficient to determine this variant is unlikely to cause disease. Therefore, this variant is classified as likely benign.

PreventionGenetics, part of Exact Sciences
Classification: Likely benign for POLR1C-related condition. Last evaluated: 2022-09-01. Review status: no assertion criteria provided. Collection method: clinical testing. Allele origin: germline. Not counted in ClinVar's aggregate classification.
Comment: This variant is classified as likely benign based on ACMG/AMP sequence variant interpretation guidelines (Richards et al. 2015 PMID: 25741868, with internal and published modifications).

Literature cited by the submitters: PubMed 22563501 (cited by Athena Diagnostics and Illumina Laboratory Services, Illumina).

NM_203290.4(POLR1C):c.421C>T (p.Arg141Cys)

Gene: POLR1C (RNA polymerase I and III subunit C; plus strand). Cytogenetic location: 6p21.1.
Variant type: single nucleotide variant.
Coding change: c.421C>T on transcript NM_203290.4 (MANE Select); coding-DNA position 421, C replaced by T.
Protein change: p.Arg141Cys; replaces arginine 141 with cysteine.
Molecular consequence: missense variant.
Genome position (GRCh38, 1-based): chr6:43,520,104, C>T. VCF-style: chr6-43520104-C-T. GRCh37 (hg19) VCF-style: chr6-43487842-C-T.
Other names: c.421C>T, p.Arg141Cys (NM_001318876.2, NM_001363658.2); short protein forms R141C.
Identifiers: ClinVar variation 724886 (VCV000724886.18), dbSNP rs148385032, ClinGen allele CA3825431.